The following is an entry in ClinVar:

ClinVar aggregate classification (germline): Uncertain significance (1 of 4 stars; one submission).

gnomAD v4.1: 55 of 1,613,942 alleles (0.0034%); highest among the groups gnomAD compares: Non-Finnish European, 0.0045%; no homozygotes.

Submission:

Labcorp Genetics (formerly Invitae), Labcorp
Classification: Uncertain significance. Last evaluated: 2025-03-05. Review status: criteria provided, single submitter. Criteria: Invitae Variant Classification Sherloc (09022015). Collection method: clinical testing. Allele origin: germline.
Comment: This sequence change replaces lysine, which is basic and polar, with glutamic acid, which is acidic and polar, at codon 231 of the ALPL protein (p.Lys231Glu). This variant is present in population databases (rs746933644, gnomAD 0.005%). This variant has not been reported in the literature in individuals affected with ALPL-related conditions. Invitae Evidence Modeling of protein sequence and biophysical properties (such as structural, functional, and spatial information, amino acid conservation, physicochemical variation, residue mobility, and thermodynamic stability) indicates that this missense variant is expected to disrupt ALPL protein function with a positive predictive value of 80%. In summary, the available evidence is currently insufficient to determine the role of this variant in disease. Therefore, it has been classified as a Variant of Uncertain Significance.

NM_000478.6(ALPL):c.691A>G (p.Lys231Glu)

Gene: ALPL (alkaline phosphatase, biomineralization associated; plus strand). Cytogenetic location: 1p36.12.
Variant type: single nucleotide variant.
Coding change: c.691A>G on transcript NM_000478.6 (MANE Select); coding-DNA position 691, A replaced by G.
Protein change: p.Lys231Glu; replaces lysine 231 with glutamic acid.
Molecular consequence: missense variant.
Genome position (GRCh38, 1-based): chr1:21,568,146, A>G. VCF-style: chr1-21568146-A-G. GRCh37 (hg19) VCF-style: chr1-21894639-A-G.
Other names: c.526A>G, p.Lys176Glu (NM_001127501.4); c.460A>G, p.Lys154Glu (NM_001177520.3); c.691A>G, p.Lys231Glu (NM_001369803.2, NM_001369804.2, NM_001369805.2); short protein forms K154E, K176E, K231E.
Identifiers: ClinVar variation 4747732 (VCV004747732.1).